The following is an entry in ClinVar:

ClinVar aggregate classification (germline): Uncertain significance (1 of 4 stars; one submission).

Conditions:
Intellectual developmental disorder with neuropsychiatric features. Identifiers: MedGen C4479636, MONDO:0044322, OMIM 617532.

Submission:

Center for Human Genetics and Genomic Medicine, Uniklinik Rwth Aachen
Classification: Uncertain significance for Intellectual developmental disorder with neuropsychiatric features. Last evaluated: 2022-07-21. Review status: criteria provided, single submitter. Criteria: ACMG Guidelines, 2015. Collection method: clinical testing. Allele origin: unknown. Inheritance: Autosomal recessive inheritance. Affected: yes. Observed: 1 homozygote.
Comment: The detected change has not yet been reported in the relevant databases (dbSNP151, gnomAD) or in the literature (as of July 21, 2022). Bioinformatically, it is more likely to be classified as "probably disease-causing" (CADDphred 25.7). The variant is currently to be regarded as a “variant of uncertain clinical significance” (ACMG criteria).

NM_001080397.3(SLC45A1):c.114C>A (p.His38Gln)

Gene: SLC45A1 (solute carrier family 45 member 1; plus strand). Cytogenetic location: 1p36.23.
Variant type: single nucleotide variant.
Coding change: c.114C>A on transcript NM_001080397.3 (MANE Select); coding-DNA position 114, C replaced by A.
Protein change: p.His38Gln; replaces histidine 38 with glutamine.
Molecular consequence: missense variant. On other transcripts: intron variant (2).
Genome position (GRCh38, 1-based): chr1:8,324,443, C>A. VCF-style: chr1-8324443-C-A. GRCh37 (hg19) VCF-style: chr1-8384503-C-A.
Other names: c.114C>A, p.His38Gln (NM_001379614.1, NM_001379615.1, NM_001379616.1); c.-116-1375C>A (NM_001379617.1, NM_001379618.1); short protein forms H38Q.
Identifiers: ClinVar variation 1700243 (VCV001700243.1), dbSNP rs2124291716, ClinGen allele CA338159929.